The following is an entry in ClinVar:

NM_006618.5(KDM5B):c.283-3T>C

Gene: KDM5B (lysine demethylase 5B; minus strand). Cytogenetic location: 1q32.1.
Variant type: single nucleotide variant.
Coding change: c.283-3T>C on transcript NM_006618.5 (MANE Select); 3 bases into the intron before coding-DNA position 283, T replaced by C.
Molecular consequence: intron variant.
Genome position (GRCh38, 1-based): chr1:202,774,738, A>G on the plus strand (T>C on the coding strand, the complement: KDM5B is on the minus strand). VCF-style: chr1-202774738-A-G. GRCh37 (hg19) VCF-style: chr1-202743866-A-G.
Other names: c.268-3T>C (NM_001399817.1); c.283-3T>C (NM_001347591.2, NM_001314042.2).
Identifiers: ClinVar variation 4622802 (VCV004622802.1).

ClinVar aggregate classification (germline): Uncertain significance (1 of 4 stars; one submission).

Conditions:
Inborn genetic diseases. Identifiers: MedGen C0950123, MeSH D030342.

gnomAD v4.1: 29 of 1,612,004 alleles (0.0018%); highest among the groups gnomAD compares: African/African-American, 0.028%; no homozygotes.

Submission:

Ambry Genetics
Classification: Uncertain significance for Inborn genetic diseases. Last evaluated: 2025-10-07. Review status: criteria provided, single submitter. Criteria: Ambry Variant Classification Scheme 2023. Collection method: clinical testing. Allele origin: germline.
Comment: The c.283-3T>C intronic alteration consists of a T to C substitution 3 nucleotides before coding exon 3 in the KDM5B gene. Based on data from gnomAD, the C allele has an overall frequency of 0.004% (10/280812) total alleles studied. The highest observed frequency was 0.024% (6/24922) of African alleles. Based on insufficient or conflicting evidence, the clinical significance of this alteration remains unclear.